The following is an entry in ClinVar:

NM_001184880.2(PCDH19):c.3277G>C (p.Asp1093His)

Gene: PCDH19 (protocadherin 19; minus strand). Cytogenetic location: Xq22.1.
Variant type: single nucleotide variant.
Coding change: c.3277G>C on transcript NM_001184880.2 (MANE Select); coding-DNA position 3277, G replaced by C.
Protein change: p.Asp1093His; replaces aspartic acid 1093 with histidine.
Molecular consequence: missense variant.
Genome position (GRCh38, 1-based): chrX:100,296,447, C>G on the plus strand (G>C on the coding strand, the complement: PCDH19 is on the minus strand). VCF-style: chrX-100296447-C-G. GRCh37 (hg19) VCF-style: chrX-99551445-C-G.
Other names: c.3136G>C, p.Asp1046His (NM_001105243.2); c.3133G>C, p.Asp1045His (NM_020766.3); short protein forms D1045H, D1046H, D1093H.
Identifiers: ClinVar variation 3362106 (VCV003362106.1).

ClinVar aggregate classification (germline): Uncertain significance (1 of 4 stars; one submission).

Submission:

GeneDx
Classification: Uncertain significance. Last evaluated: 2023-05-31. Review status: criteria provided, single submitter. Criteria: GeneDx Variant Classification Process June 2021. Collection method: clinical testing. Allele origin: germline. Affected: yes.
Comment: Not observed at significant frequency in large population cohorts (gnomAD); Missense variants in this gene are often considered pathogenic (HGMD); In silico analysis supports that this missense variant does not alter protein structure/function; Has not been previously published as pathogenic or benign to our knowledge